The following is an entry in ClinVar:

ClinVar aggregate classification (germline): Uncertain significance (1 of 4 stars; one submission).

Conditions:
Hereditary cancer-predisposing syndrome. Also called: Neoplastic Syndromes, Hereditary; Tumor predisposition; Hereditary Cancer Syndrome; Hereditary neoplastic syndrome. Identifiers: Orphanet 140162, MedGen C0027672, MeSH D009386, MONDO:0015356.

Submission:

Ambry Genetics
Classification: Uncertain significance for Hereditary cancer-predisposing syndrome. Last evaluated: 2025-07-05. Review status: criteria provided, single submitter. Criteria: Ambry Variant Classification Scheme 2023. Collection method: clinical testing. Allele origin: germline.
Comment: The p.S1084L variant (also known as c.3251C>T), located in coding exon 21 of the TSC1 gene, results from a C to T substitution at nucleotide position 3251. The serine at codon 1084 is replaced by leucine, an amino acid with dissimilar properties. This amino acid position is conserved. In addition, the in silico prediction for this alteration is inconclusive. Based on the available evidence, the clinical significance of this variant remains unclear.

NM_000368.5(TSC1):c.3251C>T (p.Ser1084Leu)

Gene: TSC1 (TSC complex subunit 1; minus strand). Cytogenetic location: 9q34.13.
Variant type: single nucleotide variant.
Coding change: c.3251C>T on transcript NM_000368.5 (MANE Select); coding-DNA position 3251, C replaced by T.
Protein change: p.Ser1084Leu; replaces serine 1084 with leucine.
Molecular consequence: missense variant. On other transcripts: non-coding transcript variant (5).
Genome position (GRCh38, 1-based): chr9:132,896,479, G>A on the plus strand (C>T on the coding strand, the complement: TSC1 is on the minus strand). VCF-style: chr9-132896479-G-A. GRCh37 (hg19) VCF-style: chr9-135771866-G-A.
Other names: c.3209C>T, p.Ser1070Leu (NM_001406606.1, NM_001406607.1, NM_001406605.1); c.3206C>T, p.Ser1069Leu (NM_001406608.1, NM_001406609.1); c.3098C>T, p.Ser1033Leu (NM_001406610.1, NM_001162427.2); c.3095C>T, p.Ser1032Leu (NM_001406611.1, NM_001406612.1); c.3053C>T, p.Ser1018Leu (NM_001406613.1); c.2888C>T, p.Ser963Leu (NM_001406614.1, NM_001406615.1, NM_001406616.1 and 4 more transcripts); c.2885C>T, p.Ser962Leu (NM_001406620.1, NM_001406621.1, NM_001406622.1 and 1 more transcripts); c.3248C>T, p.Ser1083Leu (NM_001162426.2, NM_001406597.1, NM_001406598.1 and 2 more transcripts); and 8 more; short protein forms S1032L, S1033L, S962L, S963L, S1069L, S1070L, S766L, S767L.
Identifiers: ClinVar variation 4192067 (VCV004192067.1).